The following is an entry in ClinVar:

NM_001365999.1(SZT2):c.9184C>T (p.His3062Tyr)

Gene: SZT2 (SZT2 subunit of KICSTOR complex; plus strand). Cytogenetic location: 1p34.2.
Variant type: single nucleotide variant.
Coding change: c.9184C>T on transcript NM_001365999.1 (MANE Select); coding-DNA position 9184, C replaced by T.
Protein change: p.His3062Tyr; replaces histidine 3062 with tyrosine.
Molecular consequence: missense variant.
Genome position (GRCh38, 1-based): chr1:43,447,066, C>T. VCF-style: chr1-43447066-C-T. GRCh37 (hg19) VCF-style: chr1-43912737-C-T.
Other names: c.9013C>T, p.His3005Tyr (NM_015284.4); c.9013C>T (NM_015284.3); short protein forms H3062Y, H3005Y.
Identifiers: ClinVar variation 1041348 (VCV001041348.9), dbSNP rs1272742145, ClinGen allele CA340042449.

ClinVar aggregate classification (germline): Uncertain significance. Review status: criteria provided, multiple submitters, no conflicts (2 of 4 stars). 2 submissions from 2 submitters: Uncertain significance (2). Last evaluated 2024-07-26.

Conditions:
Inborn genetic diseases. Identifiers: MedGen C0950123, MeSH D030342.

Allele frequency attached by ClinVar (database versions not stated): gnomAD 0.00001.
gnomAD v4.1: 1 of 1,613,838 alleles (0.000062%); highest among the groups gnomAD compares: Non-Finnish European, 0.000085%; no homozygotes.

Submissions (2):

Ambry Genetics
Classification: Uncertain significance for Inborn genetic diseases. Last evaluated: 2024-07-26. Review status: criteria provided, single submitter. Criteria: Ambry Variant Classification Scheme 2023. Collection method: clinical testing. Allele origin: germline.

Labcorp Genetics (formerly Invitae), Labcorp
Classification: Uncertain significance. Last evaluated: 2020-10-12. Review status: criteria provided, single submitter. Criteria: Invitae Variant Classification Sherloc (09022015). Collection method: clinical testing. Allele origin: germline.
Comment: In summary, the available evidence is currently insufficient to determine the role of this variant in disease. Therefore, it has been classified as a Variant of Uncertain Significance. Algorithms developed to predict the effect of missense changes on protein structure and function are either unavailable or do not agree on the potential impact of this missense change (SIFT: "Tolerated"; PolyPhen-2: "Probably Damaging"; Align-GVGD: "Class C0"). This variant has not been reported in the literature in individuals with SZT2-related conditions. This variant is not present in population databases (ExAC no frequency). This sequence change replaces histidine with tyrosine at codon 3005 of the SZT2 protein (p.His3005Tyr). The histidine residue is highly conserved and there is a moderate physicochemical difference between histidine and tyrosine.